The following is an entry in ClinVar:

NM_000038.6(APC):c.1593C>T (p.Ala531=)

Gene: APC (APC regulator of Wnt signaling pathway; plus strand). Cytogenetic location: 5q22.2.
Variant type: single nucleotide variant.
Coding change: c.1593C>T on transcript NM_000038.6 (MANE Select); coding-DNA position 1593, C replaced by T.
Protein change: p.Ala531=; no amino-acid change (alanine 531 retained).
Molecular consequence: synonymous variant.
Genome position (GRCh38, 1-based): chr5:112,827,973, C>T. VCF-style: chr5-112827973-C-T. GRCh37 (hg19) VCF-style: chr5-112163670-C-T.
Other names: c.1593C>T, p.Ala531= (NM_001127510.3, NM_001354895.2, NM_001407450.1); c.1539C>T, p.Ala513= (NM_001127511.3); c.1647C>T, p.Ala549= (NM_001354896.2, NM_001407447.1, NM_001407448.1 and 1 more transcripts); c.1623C>T, p.Ala541= (NM_001354897.2); c.1518C>T, p.Ala506= (NM_001354898.2); c.1509C>T, p.Ala503= (NM_001354899.2); c.1470C>T, p.Ala490= (NM_001354900.2); c.1416C>T, p.Ala472= (NM_001354901.2, NM_001407453.1); and 11 more.
Identifiers: ClinVar variation 1775966 (VCV001775966.7), dbSNP rs878853418, ClinGen allele CA445756789.

ClinVar aggregate classification (germline): Benign/Likely benign. Review status: criteria provided, multiple submitters, no conflicts (2 of 4 stars). 3 submissions from 3 submitters: Benign (1); Likely benign (2). Last evaluated 2024-12-08.

Conditions:
Hereditary cancer-predisposing syndrome. Also called: Neoplastic Syndromes, Hereditary; Tumor predisposition; Hereditary Cancer Syndrome; Hereditary neoplastic syndrome. Identifiers: Orphanet 140162, MedGen C0027672, MeSH D009386, MONDO:0015356.
Familial adenomatous polyposis 1 (FAP1). Also called: FAMILIAL ADENOMATOUS POLYPOSIS 1, ATTENUATED; POLYPOSIS, ADENOMATOUS INTESTINAL. Identifiers: MedGen C2713442, MONDO:0021056, OMIM 175100. Disease mechanism: loss of function.

Submissions (3):

Labcorp Genetics (formerly Invitae), Labcorp
Classification: Likely benign for Familial adenomatous polyposis 1. Last evaluated: 2024-12-08. Review status: criteria provided, single submitter. Criteria: Invitae Variant Classification Sherloc (09022015). Collection method: clinical testing. Allele origin: germline.

Myriad Genetics, Inc.
Classification: Benign for Familial adenomatous polyposis 1. Last evaluated: 2024-03-07. Review status: criteria provided, single submitter. Criteria: Myriad Autosomal Dominant, Autosomal Recessive and X-Linked Classification Criteria (2023). Collection method: clinical testing. Allele origin: unknown.
Comment: This variant is considered benign. This variant is a silent/synonymous amino acid change and it is not expected to impact splicing.

Ambry Genetics
Classification: Likely benign for Hereditary cancer-predisposing syndrome. Last evaluated: 2021-05-18. Review status: criteria provided, single submitter. Criteria: Ambry Variant Classification Scheme 2023. Collection method: clinical testing. Allele origin: germline.